The following is an entry in ClinVar:

NM_001042492.3(NF1):c.4724+1102A>C

Gene: NF1 (neurofibromin 1; plus strand). Cytogenetic location: 17q11.2.
Variant type: single nucleotide variant.
Coding change: c.4724+1102A>C on transcript NM_001042492.3 (MANE Select); 1102 bases into the intron after coding-DNA position 4724, A replaced by C.
Molecular consequence: intron variant.
Genome position (GRCh38, 1-based): chr17:31,262,959, A>C. VCF-style: chr17-31262959-A-C. GRCh37 (hg19) VCF-style: chr17-29589977-A-C.
Other names: c.4661+1102A>C (NM_000267.4).
Identifiers: ClinVar variation 2576158 (VCV002576158.1), dbSNP rs2508435890, ClinGen allele CA2580614084.

ClinVar aggregate classification (germline): Uncertain significance (1 of 4 stars; one submission).

Submission:

Institute for Clinical Genetics, University Hospital TU Dresden, University Hospital TU Dresden
Classification: Uncertain significance. Last evaluated: 2023-07-04. Review status: criteria provided, single submitter. Criteria: ACMG Guidelines, 2015. Collection method: clinical testing. Allele origin: germline.
Comment: PM2_SUP